The following is an entry in ClinVar:

NM_005535.3(IL12RB1):c.279A>G (p.Ser93=)

Gene: IL12RB1 (interleukin 12 receptor subunit beta 1; minus strand). Cytogenetic location: 19p13.11.
Variant type: single nucleotide variant.
Coding change: c.279A>G on transcript NM_005535.3 (MANE Select); coding-DNA position 279, A replaced by G.
Protein change: p.Ser93=; no amino-acid change (serine 93 retained).
Molecular consequence: synonymous variant.
Genome position (GRCh38, 1-based): chr19:18,080,962, T>C on the plus strand (A>G on the coding strand, the complement: IL12RB1 is on the minus strand). VCF-style: chr19-18080962-T-C. GRCh37 (hg19) VCF-style: chr19-18191772-T-C.
Other names: c.279A>G, p.Ser93= (NM_001290023.2, NM_153701.3); c.399A>G, p.Ser133= (NM_001290024.2).
Identifiers: ClinVar variation 1607318 (VCV001607318.10), dbSNP rs138099877, ClinGen allele CA9305264.

ClinVar aggregate classification (germline): Likely benign. Review status: criteria provided, single submitter (1 of 4 stars). 2 submissions from 2 submitters: Likely benign (1). 1 of the submissions does not count toward it. Last evaluated 2025-12-21.

Conditions:
IL12RB1-related disorder. Also called: IL12RB1-related condition.
Mendelian susceptibility to mycobacterial diseases due to complete IL12RB1 deficiency. Also called: IL12RB1 DEFICIENCY; Immunodeficiency 30. Identifiers: Orphanet 319552, MedGen C4013949, MONDO:0013955, OMIM 614891.

Allele frequency attached by ClinVar (database versions not stated): gnomAD exomes 0.00001 and 0.00002; ExAC 0.00003; TOPMed 0.00010; gnomAD 0.00011; ESP Exome Variant Server 0.00015; 1000 Genomes Project 0.00020; 1000 Genomes Project 30x 0.00031.
gnomAD v4.1: 35 of 1,613,750 alleles (0.0022%); highest among the groups gnomAD compares: African/African-American, 0.04%; no homozygotes.

Submissions (2):

Labcorp Genetics (formerly Invitae), Labcorp
Classification: Likely benign for Mendelian susceptibility to mycobacterial diseases due to complete IL12RB1 deficiency. Last evaluated: 2025-12-21. Review status: criteria provided, single submitter. Criteria: Invitae Variant Classification Sherloc (09022015). Collection method: clinical testing. Allele origin: germline.

PreventionGenetics, part of Exact Sciences
Classification: Likely benign for IL12RB1-related condition. Last evaluated: 2023-02-27. Review status: no assertion criteria provided. Collection method: clinical testing. Allele origin: germline. Not counted in ClinVar's aggregate classification.
Comment: This variant is classified as likely benign based on ACMG/AMP sequence variant interpretation guidelines (Richards et al. 2015 PMID: 25741868, with internal and published modifications).